The following is an entry in ClinVar:

NM_004115.4(FGF14):c.620G>A (p.Arg207Gln)

Gene: FGF14 (fibroblast growth factor 14; minus strand). Cytogenetic location: 13q33.1.
Variant type: single nucleotide variant.
Coding change: c.620G>A on transcript NM_004115.4 (MANE Select); coding-DNA position 620, G replaced by A.
Protein change: p.Arg207Gln; replaces arginine 207 with glutamine.
Molecular consequence: missense variant.
Genome position (GRCh38, 1-based): chr13:101,722,955, C>T on the plus strand (G>A on the coding strand, the complement: FGF14 is on the minus strand). VCF-style: chr13-101722955-C-T. GRCh37 (hg19) VCF-style: chr13-102375305-C-T.
Other names: c.368G>A, p.Arg123Gln (NM_001321931.1, NM_001321934.1, NM_001321935.1 and 4 more transcripts); c.431G>A, p.Arg144Gln (NM_001321932.1, NM_001321936.1, NM_001321944.1); c.440G>A, p.Arg147Gln (NM_001321933.1, NM_001321938.2, NM_001321940.1); c.524G>A, p.Arg175Gln (NM_001321939.2); c.434G>A, p.Arg145Gln (NM_001321941.2); c.518G>A, p.Arg173Gln (NM_001321945.2, NM_001321948.2, NM_001379342.1); c.479G>A, p.Arg160Gln (NM_001321947.2); c.635G>A, p.Arg212Gln (NM_175929.3); short protein forms R207Q, R212Q, R123Q, R144Q, R173Q, R145Q, R147Q, R160Q.
Identifiers: ClinVar variation 310897 (VCV000310897.7), dbSNP rs760595879, ClinGen allele CA7037109.

ClinVar aggregate classification (germline): Uncertain significance. Review status: criteria provided, multiple submitters, no conflicts (2 of 4 stars). 3 submissions from 3 submitters: Uncertain significance (3). Last evaluated 2025-12-28.

Conditions:
Inborn genetic diseases. Identifiers: MedGen C0950123, MeSH D030342.
Spinocerebellar ataxia type 27 (SCA27). Identifiers: Orphanet 98764, MedGen C1836383, MONDO:0012247.

Allele frequency attached by ClinVar (database versions not stated): gnomAD 0.00001; ExAC 0.00002; gnomAD exomes 0.00002; TOPMed 0.00002.
gnomAD v4.1: 30 of 1,613,098 alleles (0.0019%); highest among the groups gnomAD compares: Admixed American, 0.005%; no homozygotes.

Submissions (3):

Labcorp Genetics (formerly Invitae), Labcorp
Classification: Uncertain significance. Last evaluated: 2025-12-28. Review status: criteria provided, single submitter. Criteria: Invitae Variant Classification Sherloc (09022015). Collection method: clinical testing. Allele origin: germline.
Comment: This sequence change replaces arginine, which is basic and polar, with glutamine, which is neutral and polar, at codon 207 of the FGF14 protein (p.Arg207Gln). This variant is present in population databases (rs760595879, gnomAD 0.01%). This variant has not been reported in the literature in individuals affected with FGF14-related conditions. ClinVar contains an entry for this variant (Variation ID: 310897). Invitae Evidence Modeling of protein sequence and biophysical properties (such as structural, functional, and spatial information, amino acid conservation, physicochemical variation, residue mobility, and thermodynamic stability) indicates that this missense variant is not expected to disrupt FGF14 protein function with a negative predictive value of 80%. In summary, the available evidence is currently insufficient to determine the role of this variant in disease. Therefore, it has been classified as a Variant of Uncertain Significance.

Ambry Genetics
Classification: Uncertain significance for Inborn genetic diseases. Last evaluated: 2023-12-27. Review status: criteria provided, single submitter. Criteria: Ambry Variant Classification Scheme 2023. Collection method: clinical testing. Allele origin: germline.

Illumina Laboratory Services, Illumina
Classification: Uncertain significance for Spinocerebellar ataxia 27A. Last evaluated: 2018-01-12. Review status: criteria provided, single submitter. Criteria: ICSL Variant Classification Criteria 13 December 2019. Collection method: clinical testing. Allele origin: germline.